The following is an entry in ClinVar:

NM_005076.5(CNTN2):c.1884G>A (p.Trp628Ter)

Gene: CNTN2 (contactin 2; plus strand). Cytogenetic location: 1q32.1.
Variant type: single nucleotide variant.
Coding change: c.1884G>A on transcript NM_005076.5 (MANE Select); coding-DNA position 1884, G replaced by A.
Protein change: p.Trp628Ter; replaces tryptophan 628 with a stop codon.
Molecular consequence: nonsense. On other transcripts: non-coding transcript variant (1).
Genome position (GRCh38, 1-based): chr1:205,066,508, G>A. VCF-style: chr1-205066508-G-A. GRCh37 (hg19) VCF-style: chr1-205035636-G-A.
Other names: c.1884G>A, p.Trp628Ter (NM_001346083.2); short protein forms W628*.
Identifiers: ClinVar variation 3638617 (VCV003638617.2).
Genomic context (GRCh38, chr1:205,066,508, plus strand): 5'-AGGTCCCCCAGGAGGTGTGGTGGTGAGGGACATTGGCGACACCACCATCCAGCTCAGCTG[G>A]AGCCGTGGCTTCGACAACCACAGCCCCATCGCTAAGTACACCCTGCAAGCTCGCACTCCA-3'

ClinVar aggregate classification (germline): Pathogenic (1 of 4 stars; one submission).

Conditions:
Epilepsy, familial adult myoclonic, 5 (EPEO5). Also called: CORTICAL MYOCLONIC TREMOR WITH EPILEPSY, FAMILIAL, 5. Identifiers: Orphanet 86814, MedGen C3809374, MONDO:0014167, OMIM 615400.

Submission:

Labcorp Genetics (formerly Invitae), Labcorp
Classification: Pathogenic for Epilepsy, familial adult myoclonic, 5. Last evaluated: 2024-02-03. Review status: criteria provided, single submitter. Criteria: Invitae Variant Classification Sherloc (09022015). Collection method: clinical testing. Allele origin: germline.
Comment: This sequence change creates a premature translational stop signal (p.Trp628*) in the CNTN2 gene. It is expected to result in an absent or disrupted protein product. Loss-of-function variants in CNTN2 are known to be pathogenic (PMID: 11178983, 23518707). This variant is not present in population databases (gnomAD no frequency). This variant has not been reported in the literature in individuals affected with CNTN2-related conditions. For these reasons, this variant has been classified as Pathogenic.

Literature cited by the submitters: PubMed 11178983; PubMed 23518707.